The following is an entry in ClinVar:

ClinVar aggregate classification (germline): Uncertain significance (1 of 4 stars; one submission).

Submission:

Labcorp Genetics (formerly Invitae), Labcorp
Classification: Uncertain significance. Last evaluated: 2022-03-12. Review status: criteria provided, single submitter. Criteria: Invitae Variant Classification Sherloc (09022015). Collection method: clinical testing. Allele origin: germline.
Comment: In summary, the available evidence is currently insufficient to determine the role of this variant in disease. Therefore, it has been classified as a Variant of Uncertain Significance. Algorithms developed to predict the effect of missense changes on protein structure and function (SIFT, PolyPhen-2, Align-GVGD) all suggest that this variant is likely to be tolerated. This variant has not been reported in the literature in individuals affected with PCGF2-related conditions. This variant is not present in population databases (gnomAD no frequency). This sequence change replaces aspartic acid, which is acidic and polar, with asparagine, which is neutral and polar, at codon 77 of the PCGF2 protein (p.Asp77Asn).

NM_007144.3(PCGF2):c.229G>A (p.Asp77Asn)

Gene: PCGF2 (polycomb group ring finger 2; minus strand). Cytogenetic location: 17q12.
Variant type: single nucleotide variant.
Coding change: c.229G>A on transcript NM_007144.3 (MANE Select); coding-DNA position 229, G replaced by A.
Protein change: p.Asp77Asn; replaces aspartic acid 77 with asparagine.
Molecular consequence: missense variant.
Genome position (GRCh38, 1-based): chr17:38,739,234, C>T on the plus strand (G>A on the coding strand, the complement: PCGF2 is on the minus strand). VCF-style: chr17-38739234-C-T. GRCh37 (hg19) VCF-style: chr17-36895487-C-T.
Other names: c.229G>A, p.Asp77Asn (NM_001369614.1, NM_001369615.1); short protein forms D77N.
Identifiers: ClinVar variation 2110068 (VCV002110068.4), dbSNP rs2508687357, ClinGen allele CA398822335.